The following is an entry in ClinVar:

ClinVar aggregate classification (germline): Conflicting classifications of pathogenicity. Review status: criteria provided, conflicting classifications (1 of 4 stars). 2 submissions from 2 submitters: Uncertain significance (1); Likely benign (1). Last evaluated 2026-07-01.

Conditions:
UCP3-related disorder. Also called: UCP3-related condition.

Allele frequency attached by ClinVar (database versions not stated): gnomAD 0.00001; gnomAD exomes 0.00001; TOPMed 0.00002; ExAC 0.00004; 1000 Genomes Project 30x 0.00016; 1000 Genomes Project 0.00020.

Submissions (2):

PreventionGenetics, part of Exact Sciences
Classification: Uncertain significance for UCP3-related condition. Last evaluated: 2026-07-01. Review status: criteria provided, single submitter. Criteria: ACMG Guidelines, 2015. Collection method: clinical testing. Allele origin: germline.
Comment: The UCP3 c.487A>G variant is predicted to result in the amino acid substitution p.Met163Val. To our knowledge, this variant has not been reported in the literature. This variant is reported in 0.0062% of alleles in individuals of African descent in gnomAD. At this time, the clinical significance of this variant is uncertain due to the absence of conclusive functional and genetic evidence.

Blueprint Genetics
Classification: Likely benign. Last evaluated: 2019-06-12. Review status: criteria provided, single submitter. Criteria: ACMG Guidelines, 2015. Collection method: clinical testing. Allele origin: germline.

NM_003356.4(UCP3):c.487A>G (p.Met163Val)

Gene: UCP3 (uncoupling protein 3; minus strand). Cytogenetic location: 11q13.4.
Variant type: single nucleotide variant.
Coding change: c.487A>G on transcript NM_003356.4 (MANE Select); coding-DNA position 487, A replaced by G.
Protein change: p.Met163Val; replaces methionine 163 with valine.
Molecular consequence: missense variant.
Genome position (GRCh38, 1-based): chr11:74,005,784, T>C on the plus strand (A>G on the coding strand, the complement: UCP3 is on the minus strand). VCF-style: chr11-74005784-T-C. GRCh37 (hg19) VCF-style: chr11-73716829-T-C.
Other names: c.487A>G, p.Met163Val (NM_022803.3); short protein forms M163V.
Identifiers: ClinVar variation 3057933 (VCV003057933.4), dbSNP rs201679589, ClinGen allele CA6181473.